The following is an entry in ClinVar:

ClinVar aggregate classification (germline): Uncertain significance (1 of 4 stars; one submission).

Conditions:
Atypical hemolytic-uremic syndrome. Identifiers: Orphanet 2134, MedGen C2931788, MONDO:0016244.

Submission:

Genomenon, Inc
Classification: Uncertain significance for Atypical hemolytic-uremic syndrome. Last evaluated: 2026-09-17. Review status: criteria provided, single submitter. Criteria: Genomenon Sequence Variant Interpretation Standards - Updated. Collection method: curation. Allele origin: germline. Affected: yes.
Comment: CFH p.Pro1166Leu (c.3497C>T) is a missense variant that changes the amino acid at codon 1166 from proline to leucine. This variant has been observed in at least one proband affected with atypical hemolytic-uremic syndrome (PMID: 23431077; 28941939; 23958887). Functional studies have been reported (PMID: 28941939; 34189567). It is absent or not present at a significant frequency in gnomAD. In conclusion, we classify CFH p.Pro1166Leu (c.3497C>T) as a variant of uncertain significance.

Literature cited by the submitters: PubMed 23431077; PubMed 28941939; PubMed 23958887; PubMed 34189567.

NM_000186.4(CFH):c.3497C>T (p.Pro1166Leu)

Gene: CFH (complement factor H; plus strand). Cytogenetic location: 1q31.3.
Variant type: single nucleotide variant.
Coding change: c.3497C>T on transcript NM_000186.4 (MANE Select); coding-DNA position 3497, C replaced by T.
Protein change: p.Pro1166Leu; replaces proline 1166 with leucine.
Molecular consequence: missense variant.
Genome position (GRCh38, 1-based): chr1:196,747,114, C>T. VCF-style: chr1-196747114-C-T. GRCh37 (hg19) VCF-style: chr1-196716244-C-T.
Other names: short protein forms P1166L.
Identifiers: ClinVar variation 4291590 (VCV004291590.2).